The following is an entry in ClinVar:

ClinVar aggregate classification (germline): Pathogenic (1 of 4 stars; one submission).

Conditions:
Sjögren-Larsson syndrome (SLS). Also called: FALDH DEFICIENCY; FATTY ALCOHOL:NAD+ OXIDOREDUCTASE DEFICIENCY; FATTY ALDEHYDE DEHYDROGENASE DEFICIENCY; ICHTHYOSIS, SPASTIC NEUROLOGIC DISORDER, AND OLIGOPHRENIA. Identifiers: Orphanet 816, MedGen C0037231, MONDO:0010031, OMIM 270200.

Submission:

Myriad Genetics, Inc.
Classification: Pathogenic for Sjögren-Larsson syndrome. Last evaluated: 2025-04-09. Review status: criteria provided, single submitter. Criteria: Myriad Autosomal Dominant, Autosomal Recessive and X-Linked Classification Criteria (2023). Collection method: clinical testing. Allele origin: unknown.
Comment: NM_000382.2(ALDH3A2):c.1258delT(S420Lfs*8) is a frameshift variant classified as pathogenic in the context of Sjogren-Larsson syndrome. S420Lfs*8 has not been observed in cases with relevant disease. Relevant functional assessments of this variant are not available in the literature. S420Lfs*8 has not been observed in referenced population frequency databases. In summary, NM_000382.2(ALDH3A2):c.1258delT(S420Lfs*8) is a frameshift variant in a gene where loss of function is a known mechanism of disease and is predicted to disrupt protein function. Please note: this variant was assessed in the context of healthy population screening.

NM_000382.3(ALDH3A2):c.1258del (p.Ser420fs)

Gene: ALDH3A2 (aldehyde dehydrogenase 3 family member A2; plus strand). Cytogenetic location: 17p11.2.
Variant type: Deletion.
Coding change: c.1258del on transcript NM_000382.3 (MANE Select); coding-DNA position 1258, one base deleted (T; older notation c.1258delT).
Protein change: p.Ser420fs; shifts the reading frame from serine 420.
Molecular consequence: frameshift variant. On other transcripts: intron variant (1).
Genome position (GRCh38, 1-based): chr17:19,671,771, T deleted; the last of 5 consecutive T bases (chr17:19,671,767-19,671,771); deleting any one gives the same sequence. VCF-style (leftmost placement, unchanged base first): chr17-19671766-CT-C. GRCh37 (hg19) VCF-style: chr17-19575079-CT-C.
Other names: c.1258del, p.Ser420fs (NM_001031806.2, NM_001369136.1, NM_001369137.2 and 2 more transcripts); c.679del, p.Ser227fs (NM_001369148.2); c.1208-3787del (NM_001369146.2); short protein forms S227fs, S420fs.
Identifiers: ClinVar variation 4081700 (VCV004081700.1).